The following is an entry in ClinVar:

ClinVar aggregate classification (germline): Uncertain significance (1 of 4 stars; one submission).

Submission:

Labcorp Genetics (formerly Invitae), Labcorp
Classification: Uncertain significance. Last evaluated: 2024-11-05. Review status: criteria provided, single submitter. Criteria: Invitae Variant Classification Sherloc (09022015). Collection method: clinical testing. Allele origin: germline.
Comment: This sequence change replaces proline, which is neutral and non-polar, with leucine, which is neutral and non-polar, at codon 6 of the PLXNA2 protein (p.Pro6Leu). This variant is not present in population databases (gnomAD no frequency). This variant has not been reported in the literature in individuals affected with PLXNA2-related conditions. ClinVar contains an entry for this variant (Variation ID: 2694122). An algorithm developed to predict the effect of missense changes on protein structure and function (PolyPhen-2) suggests that this variant is likely to be tolerated. In summary, the available evidence is currently insufficient to determine the role of this variant in disease. Therefore, it has been classified as a Variant of Uncertain Significance.

NM_025179.4(PLXNA2):c.17C>T (p.Pro6Leu)

Gene: PLXNA2 (plexin A2; minus strand). Cytogenetic location: 1q32.2.
Variant type: single nucleotide variant.
Coding change: c.17C>T on transcript NM_025179.4 (MANE Select); coding-DNA position 17, C replaced by T.
Protein change: p.Pro6Leu; replaces proline 6 with leucine.
Molecular consequence: missense variant.
Genome position (GRCh38, 1-based): chr1:208,217,906, G>A on the plus strand (C>T on the coding strand, the complement: PLXNA2 is on the minus strand). VCF-style: chr1-208217906-G-A. GRCh37 (hg19) VCF-style: chr1-208391251-G-A.
Other names: short protein forms P6L.
Identifiers: ClinVar variation 2694122 (VCV002694122.3), dbSNP rs2527201201, ClinGen allele CA344560890.
Genomic context (GRCh38, chr1:208,217,906, plus strand): 5'-ACCCAGACCACTGAGAGCAGGACCACAGAGCGGCTGTCCACCTCCAGGGCCCGGGGCCAG[G>A]GCCGCCTCTGTTCCATGCTGAGAGGGGCGGCGGTGAGGAGACGGCTCCTGTGTGTGCTCA-3'
Protein context (NP_079455.3, residues 1-16): MEQRR[Pro6Leu]WPRALEVDSR